The following is an entry in ClinVar:

ClinVar aggregate classification (germline): Uncertain significance (1 of 4 stars; one submission).

Conditions:
Cardiovascular phenotype. Identifiers: MedGen CN230736.

Submission:

Ambry Genetics
Classification: Uncertain significance for Cardiovascular phenotype. Last evaluated: 2022-09-07. Review status: criteria provided, single submitter. Criteria: Ambry Variant Classification Scheme 2023. Collection method: clinical testing. Allele origin: germline.
Comment: The c.1429-5T>G intronic variant results from a T to G substitution 5 nucleotides upstream from coding exon 12 in the ENG gene. This nucleotide position is not well conserved in available vertebrate species. In silico splice site analysis predicts that this alteration will weaken the native splice acceptor site and will result in the creation or strengthening of a novel splice acceptor site. Since supporting evidence is limited at this time, the clinical significance of this alteration remains unclear.

NM_001114753.3(ENG):c.1429-5T>G

Genes: ENG (endoglin; minus strand), LOC102723566 (uncharacterized LOC102723566; plus strand). Cytogenetic location: 9q34.11.
Variant type: single nucleotide variant.
Coding change: c.1429-5T>G on transcript NM_001114753.3 (MANE Select); 5 bases into the intron before coding-DNA position 1429, T replaced by G.
Molecular consequence: intron variant. On other transcripts: non-coding transcript variant (1).
Genome position (GRCh38, 1-based): chr9:127,818,382, A>C on the plus strand (T>G on the coding strand, the complement: ENG is on the minus strand). VCF-style: chr9-127818382-A-C. GRCh37 (hg19) VCF-style: chr9-130580661-A-C.
Other names: c.1429-5T>G (NM_000118.4); c.883-5T>G (NM_001278138.2).
Identifiers: ClinVar variation 1772437 (VCV001772437.2), dbSNP rs777525174, ClinGen allele CA467225616.